The following is an entry in ClinVar:

NM_018136.5(ASPM):c.1977T>C (p.Ile659=)

Gene: ASPM (assembly factor for spindle microtubules; minus strand). Cytogenetic location: 1q31.3.
Variant type: single nucleotide variant.
Coding change: c.1977T>C on transcript NM_018136.5 (MANE Select); coding-DNA position 1977, T replaced by C.
Protein change: p.Ile659=; no amino-acid change (isoleucine 659 retained).
Molecular consequence: synonymous variant.
Genome position (GRCh38, 1-based): chr1:197,139,816, A>G on the plus strand (T>C on the coding strand, the complement: ASPM is on the minus strand). VCF-style: chr1-197139816-A-G. GRCh37 (hg19) VCF-style: chr1-197108946-A-G.
Other names: c.1977T>C, p.Ile659= (NM_001206846.2).
Identifiers: ClinVar variation 21561 (VCV000021561.25), dbSNP rs17550662, ClinGen allele CA171177.

ClinVar aggregate classification (germline): Benign. Review status: criteria provided, multiple submitters, no conflicts (2 of 4 stars). 10 submissions from 10 submitters: Benign (7). 3 of the submissions do not count toward it. Last evaluated 2026-02-01.

Conditions:
Microcephaly 5, primary, autosomal recessive (MCPH5). Also called: ASPM Primary Microcephaly. Identifiers: Orphanet 2512, MedGen C1837501, MONDO:0012106, OMIM 608716.

Allele frequency attached by ClinVar (database versions not stated): 1000 Genomes Project 0.01917; TOPMed 0.03803; gnomAD 0.04103 and 0.04184; 1000 Genomes Project 30x 0.01827; gnomAD exomes 0.04436 and 0.05444; ESP Exome Variant Server 0.04506; ExAC 0.04543.
gnomAD v4.1: 85,452 of 1,611,814 alleles (5.3%); highest among the groups gnomAD compares: Non-Finnish European, 6.1%; 2,723 homozygotes.

Submissions (10):

Labcorp Genetics (formerly Invitae), Labcorp
Classification: Benign. Last evaluated: 2026-02-01. Review status: criteria provided, single submitter. Criteria: Invitae Variant Classification Sherloc (09022015). Collection method: clinical testing. Allele origin: germline.

Genome-Nilou Lab
Classification: Benign for Microcephaly 5, primary, autosomal recessive. Last evaluated: 2023-04-11. Review status: criteria provided, single submitter. Criteria: ACMG Guidelines, 2015. Collection method: clinical testing. Allele origin: germline. Affected: no.

Illumina Laboratory Services, Illumina
Classification: Benign for Microcephaly 5, primary, autosomal recessive. Last evaluated: 2018-01-12. Review status: criteria provided, single submitter. Criteria: ICSL Variant Classification Criteria 13 December 2019. Collection method: clinical testing. Allele origin: germline.
Comment: This variant was observed in the ICSL laboratory as part of a predisposition screen in an ostensibly healthy population. It had not been previously curated by ICSL or reported in the Human Gene Mutation Database (HGMD: prior to June 1st, 2018), and was therefore a candidate for classification through an automated scoring system. Utilizing variant allele frequency, disease prevalence and penetrance estimates, and inheritance mode, an automated score was calculated to assess if this variant is too frequent to cause the disease. Based on the score and internal cut-off values, a variant classified as benign is not then subjected to further curation. The score for this variant resulted in a classification of benign for this disease.

Athena Diagnostics
Classification: Benign. Last evaluated: 2017-08-02. Review status: criteria provided, single submitter. Criteria: Athena Diagnostics Criteria. Collection method: clinical testing. Allele origin: germline.

GeneDx
Classification: Benign. Last evaluated: 2015-03-03. Review status: criteria provided, single submitter. Criteria: GeneDx Variant Classification Process June 2021. Collection method: clinical testing. Allele origin: germline. Affected: yes.

Genetic Services Laboratory, University of Chicago
Classification: Benign. Last evaluated: 2013-02-08. Review status: criteria provided, single submitter. Criteria: ACMG Guidelines, 2007. Collection method: clinical testing. Allele origin: germline. Inheritance: Autosomal recessive inheritance.

Breakthrough Genomics
Classification: Benign. Review status: criteria provided, single submitter. Criteria: ACMG Guidelines, 2015. Collection method: not provided. Allele origin: germline. Inheritance: Autosomal recessive inheritance. Affected: yes.

Clinical Genetics DNA and cytogenetics Diagnostics Lab, Erasmus MC, Erasmus Medical Center
Classification: Benign. Review status: no assertion criteria provided. Collection method: clinical testing. Allele origin: germline. Affected: yes. Study: VKGL Data-share Consensus. Not counted in ClinVar's aggregate classification.

GeneReviews
No classification provided. Condition: Microcephaly 5, primary, autosomal recessive. Review status: no classification provided. Collection method: literature only. Allele origin: unknown. Not counted in ClinVar's aggregate classification.

Joint Genome Diagnostic Labs from Nijmegen and Maastricht, Radboudumc and MUMC+
Classification: Benign. Review status: no assertion criteria provided. Collection method: clinical testing. Allele origin: germline. Affected: yes. Study: VKGL Data-share Consensus. Not counted in ClinVar's aggregate classification.

Literature cited by the submitters: PubMed 20301772 (cited by GeneReviews); NCBI Bookshelf NBK9587 (cited by GeneReviews).